The following is an entry in ClinVar:

NM_004970.3(IGFALS):c.1444C>T (p.Gln482Ter)

Gene: IGFALS (insulin like growth factor binding protein acid labile subunit; minus strand). Cytogenetic location: 16p13.3.
Variant type: single nucleotide variant.
Coding change: c.1444C>T on transcript NM_004970.3 (MANE Select); coding-DNA position 1444, C replaced by T.
Protein change: p.Gln482Ter; replaces glutamine 482 with a stop codon.
Molecular consequence: nonsense. On other transcripts: non-coding transcript variant (1).
Genome position (GRCh38, 1-based): chr16:1,790,974, G>A on the plus strand (C>T on the coding strand, the complement: IGFALS is on the minus strand). VCF-style: chr16-1790974-G-A. GRCh37 (hg19) VCF-style: chr16-1840975-G-A.
Other names: c.1558C>T, p.Gln520Ter (NM_001146006.2); short protein forms Q482*, Q520*.
Identifiers: ClinVar variation 3365176 (VCV003365176.1).

ClinVar aggregate classification (germline): Uncertain significance (1 of 4 stars; one submission).

Submission:

GeneDx
Classification: Uncertain significance. Last evaluated: 2024-04-12. Review status: criteria provided, single submitter. Criteria: GeneDx Variant Classification Process June 2021. Collection method: clinical testing. Allele origin: germline. Affected: yes.
Comment: Nonsense variant predicted to result in protein truncation, as the last 124 amino acids are lost, and other loss-of-function variants have been reported downstream in HGMD; Has not been previously published as pathogenic or benign to our knowledge